The following is an entry in ClinVar:

NM_001009944.3(PKD1):c.6666G>A (p.Ala2222=)

Gene: PKD1 (polycystin 1, transient receptor potential channel interacting; minus strand). Cytogenetic location: 16p13.3.
Variant type: single nucleotide variant.
Coding change: c.6666G>A on transcript NM_001009944.3 (MANE Select); coding-DNA position 6666, G replaced by A.
Protein change: p.Ala2222=; no amino-acid change (alanine 2222 retained).
Molecular consequence: synonymous variant.
Genome position (GRCh38, 1-based): chr16:2,108,501, C>T on the plus strand (G>A on the coding strand, the complement: PKD1 is on the minus strand). VCF-style: chr16-2108501-C-T. GRCh37 (hg19) VCF-style: chr16-2158502-C-T.
Other names: c.6666G>A, p.Ala2222= (NM_000296.4).
Identifiers: ClinVar variation 3045583 (VCV003045583.4), dbSNP rs370851999, ClinGen allele CA7831507.

ClinVar aggregate classification (germline): Likely benign. Review status: criteria provided, multiple submitters, no conflicts (2 of 4 stars). 3 submissions from 3 submitters: Likely benign (2). 1 of the submissions does not count toward it. Last evaluated 2025-10-08.

Conditions:
Polycystic kidney disease, adult type (PKD1). Also called: POLYCYSTIC KIDNEY DISEASE 1 WITH OR WITHOUT POLYCYSTIC LIVER DISEASE; POLYCYSTIC KIDNEY DISEASE, ADULT, TYPE I; Polycystic Kidney Disease 1, Autosomal Dominant; Polycystic kidney disease 1; Polycystic kidney disease 1, severe; Polycystic Kidney, Autosomal Dominant. Identifiers: MedGen C3149841, MONDO:0008263, OMIM 173900.
PKD1-related disorder. Also called: PKD1-related condition.

Allele frequency attached by ClinVar (database versions not stated): gnomAD exomes 0.00003; gnomAD 0.00004; ExAC 0.00005; TOPMed 0.00007; ESP Exome Variant Server 0.00016.
gnomAD v4.1: 55 of 1,608,844 alleles (0.0034%); highest among the groups gnomAD compares: East Asian, 0.011%; no homozygotes.

Submissions (3):

Women's Health and Genetics/Laboratory Corporation of America, LabCorp
Classification: Likely benign. Last evaluated: 2025-10-08. Review status: criteria provided, single submitter. Criteria: LabCorp Variant Classification Summary - May 2015. Collection method: clinical testing. Allele origin: germline.

Department of Pathology and Laboratory Medicine, Sinai Health System
Classification: Likely benign for Polycystic kidney disease, adult type. Last evaluated: 2022-06-14. Review status: criteria provided, single submitter. Criteria: ACMG Guidelines, 2015. Collection method: clinical testing. Allele origin: germline. Affected: yes.

PreventionGenetics, part of Exact Sciences
Classification: Likely benign for PKD1-related condition. Last evaluated: 2019-10-21. Review status: no assertion criteria provided. Collection method: clinical testing. Allele origin: germline. Not counted in ClinVar's aggregate classification.
Comment: This variant is classified as likely benign based on ACMG/AMP sequence variant interpretation guidelines (Richards et al. 2015 PMID: 25741868, with internal and published modifications).